The following is an entry in ClinVar:

ClinVar aggregate classification (germline): Uncertain significance (1 of 4 stars; one submission).

Allele frequency attached by ClinVar (database versions not stated): gnomAD exomes below 0.00001; gnomAD 0.00001.
gnomAD v4.1: 4 of 1,613,976 alleles (0.00025%); highest among the groups gnomAD compares: East Asian, 0.0022%; no homozygotes.

Submission:

GeneDx
Classification: Uncertain significance. Last evaluated: 2020-10-12. Review status: criteria provided, single submitter. Criteria: GeneDx Variant Classification Process June 2021. Collection method: clinical testing. Allele origin: germline. Affected: yes.
Comment: Not observed in large population cohorts (Lek et al., 2016); In silico analysis, which includes protein predictors and evolutionary conservation, supports a deleterious effect; Has not been previously published as pathogenic or benign to our knowledge

NM_001332.4(CTNND2):c.1658C>T (p.Pro553Leu)

Gene: CTNND2 (catenin delta 2; minus strand). Cytogenetic location: 5p15.2.
Variant type: single nucleotide variant.
Coding change: c.1658C>T on transcript NM_001332.4 (MANE Select); coding-DNA position 1658, C replaced by T.
Protein change: p.Pro553Leu; replaces proline 553 with leucine.
Molecular consequence: missense variant. On other transcripts: non-coding transcript variant (1).
Genome position (GRCh38, 1-based): chr5:11,236,794, G>A on the plus strand (C>T on the coding strand, the complement: CTNND2 is on the minus strand). VCF-style: chr5-11236794-G-A. GRCh37 (hg19) VCF-style: chr5-11236906-G-A.
Other names: c.1385C>T, p.Pro462Leu (NM_001288715.1); c.647C>T, p.Pro216Leu (NM_001288716.1, NM_001364128.2); c.359C>T, p.Pro120Leu (NM_001288717.2); short protein forms P553L, P120L, P462L, P216L.
Identifiers: ClinVar variation 452938 (VCV000452938.3), dbSNP rs1554008600, ClinGen allele CA359277980.
Genomic context (GRCh38, chr5:11,236,794, plus strand): 5'-TAGGCTGCCGCGTTAGACTGGACCGAGGGAAACTGGTGCTGCAACATCTGAATCACTTCC[G>A]GCAGTTCCGGGTCTCTCCATCCAAATTCTCTGAACAAAAGGAAAGAAGCGGGGAGAATAT-3'
Protein context (NP_001323.1, residues 543-563): REFGWRDPEL[Pro553Leu]EVIQMLQHQF